The following is an entry in ClinVar:

NM_194454.3(KRIT1):c.536G>A (p.Arg179Gln)

Gene: KRIT1 (KRIT1 ankyrin repeat containing; minus strand). Cytogenetic location: 7q21.2.
Variant type: single nucleotide variant.
Coding change: c.536G>A on transcript NM_194454.3 (MANE Select); coding-DNA position 536, G replaced by A.
Protein change: p.Arg179Gln; replaces arginine 179 with glutamine.
Molecular consequence: missense variant. On other transcripts: 5 prime UTR variant (1).
Genome position (GRCh38, 1-based): chr7:92,235,596, C>T on the plus strand (G>A on the coding strand, the complement: KRIT1 is on the minus strand). VCF-style: chr7-92235596-C-T. GRCh37 (hg19) VCF-style: chr7-91864910-C-T.
Other names: c.536G>A, p.Arg179Gln (NM_001013406.2, NM_001350669.1, NM_001350670.1 and 29 more transcripts); c.-48G>A (NM_001350671.1); short protein forms R179Q.
Identifiers: ClinVar variation 2182613 (VCV002182613.5), dbSNP rs756644645, ClinGen allele CA4339348.

ClinVar aggregate classification (germline): Uncertain significance. Review status: criteria provided, multiple submitters, no conflicts (2 of 4 stars). 2 submissions from 2 submitters: Uncertain significance (2). Last evaluated 2024-07-05.

Conditions:
Inborn genetic diseases. Identifiers: MedGen C0950123, MeSH D030342.
Cerebral cavernous malformation (CCM). Also called: CAVERNOUS ANGIOMA, FAMILIAL; CAVERNOUS ANGIOMATOUS MALFORMATIONS; CEREBRAL CAPILLARY MALFORMATIONS; Cavernous Hemangioma of Brain; Cerebral cavernous hemangioma (type); Cerebral cavernous malformations. Identifiers: Orphanet 221061, MedGen C2919945, MONDO:0000820, OMIM 116860, HP:0033522.

Allele frequency attached by ClinVar (database versions not stated): ExAC 0.00002.
gnomAD v4.1: 16 of 1,613,496 alleles (0.00099%); highest among the groups gnomAD compares: South Asian, 0.0033%; no homozygotes.

Submissions (2):

Ambry Genetics
Classification: Uncertain significance for Inborn genetic diseases. Last evaluated: 2024-07-05. Review status: criteria provided, single submitter. Criteria: Ambry Variant Classification Scheme 2023. Collection method: clinical testing. Allele origin: germline.

Labcorp Genetics (formerly Invitae), Labcorp
Classification: Uncertain significance for Cerebral cavernous malformation. Last evaluated: 2022-06-03. Review status: criteria provided, single submitter. Criteria: Invitae Variant Classification Sherloc (09022015). Collection method: clinical testing. Allele origin: germline.
Comment: In summary, the available evidence is currently insufficient to determine the role of this variant in disease. Therefore, it has been classified as a Variant of Uncertain Significance. Algorithms developed to predict the effect of missense changes on protein structure and function are either unavailable or do not agree on the potential impact of this missense change (SIFT: "Deleterious"; PolyPhen-2: "Probably Damaging"; Align-GVGD: "Class C0"). This variant has not been reported in the literature in individuals affected with KRIT1-related conditions. This variant is present in population databases (rs756644645, gnomAD 0.006%). This sequence change replaces arginine, which is basic and polar, with glutamine, which is neutral and polar, at codon 179 of the KRIT1 protein (p.Arg179Gln).